The following is an entry in ClinVar:

ClinVar aggregate classification (germline): Uncertain significance (1 of 4 stars; one submission).

Conditions:
Hereditary cancer-predisposing syndrome. Also called: Tumor predisposition; Hereditary neoplastic syndrome; Hereditary Cancer Syndrome; Neoplastic Syndromes, Hereditary. Identifiers: Orphanet 140162, MedGen C0027672, MeSH D009386, MONDO:0015356.

Submission:

Labcorp Genetics (formerly Invitae), Labcorp
Classification: Uncertain significance for Hereditary cancer-predisposing syndrome. Last evaluated: 2021-01-26. Review status: criteria provided, single submitter. Criteria: Invitae Variant Classification Sherloc (09022015). Collection method: clinical testing. Allele origin: germline.
Comment: In summary, the available evidence is currently insufficient to determine the role of this variant in disease. Therefore, it has been classified as a Variant of Uncertain Significance. Algorithms developed to predict the effect of missense changes on protein structure and function (SIFT, PolyPhen-2, Align-GVGD) all suggest that this variant is likely to be disruptive, but these predictions have not been confirmed by published functional studies and their clinical significance is uncertain. This variant has not been reported in the literature in individuals with RAD50-related disease. This variant is not present in population databases (ExAC no frequency). This sequence change replaces lysine with asparagine at codon 132 of the RAD50 protein (p.Lys132Asn). The lysine residue is highly conserved and there is a moderate physicochemical difference between lysine and asparagine.

NM_005732.4(RAD50):c.396G>C (p.Lys132Asn)

Gene: RAD50 (RAD50 double strand break repair protein; plus strand). Cytogenetic location: 5q31.1.
Variant type: single nucleotide variant.
Coding change: c.396G>C on transcript NM_005732.4 (MANE Select); coding-DNA position 396, G replaced by C.
Protein change: p.Lys132Asn; replaces lysine 132 with asparagine.
Molecular consequence: missense variant.
Genome position (GRCh38, 1-based): chr5:132,579,347, G>C. VCF-style: chr5-132579347-G-C. GRCh37 (hg19) VCF-style: chr5-131915039-G-C.
Other names: short protein forms K132N.
Identifiers: ClinVar variation 577734 (VCV000577734.10), dbSNP rs764801872, ClinGen allele CA360933595.